The following is an entry in ClinVar:

NM_000069.3(CACNA1S):c.1948+6C>T

Gene: CACNA1S (calcium voltage-gated channel subunit alpha1 S; minus strand). Cytogenetic location: 1q32.1.
Variant type: single nucleotide variant.
Coding change: c.1948+6C>T on transcript NM_000069.3 (MANE Select); 6 bases into the intron after coding-DNA position 1948, C replaced by T.
Molecular consequence: intron variant.
Genome position (GRCh38, 1-based): chr1:201,075,489, G>A on the plus strand (C>T on the coding strand, the complement: CACNA1S is on the minus strand). VCF-style: chr1-201075489-G-A. GRCh37 (hg19) VCF-style: chr1-201044617-G-A.
Identifiers: ClinVar variation 3075451 (VCV003075451.1), dbSNP rs2464558569, ClinGen allele CA2649766034.
Genomic context (GRCh38, chr1:201,075,489, plus strand): 5'-CATTTTAAGCCCTTTCCCCCACCCCCTCCCTAAGCTCTTTTCTGCACCCTGCTCCCGAGA[G>A]GATACAGTTGCCACAGACGAAAAGGATGATGAAGTAAATGCACACAAGCATGCCAGGGTA-3'

ClinVar aggregate classification (germline): Uncertain significance (1 of 4 stars; one submission).

Conditions:
Malignant hyperthermia, susceptibility to, 5 (MHS5). Also called: CACNA1S-Related Malignant Hyperthermia Susceptibility. Identifiers: Orphanet 423, MedGen C1866077, MONDO:0011163, OMIM 601887.

Allele frequency attached by ClinVar (database versions not stated): gnomAD exomes below 0.00001.

Submission:

All of Us Research Program, National Institutes of Health
Classification: Uncertain significance for Malignant hyperthermia, susceptibility to, 5. Last evaluated: 2024-02-05. Review status: criteria provided, single submitter. Criteria: ACMG Guidelines, 2015. Collection method: clinical testing. Allele origin: germline. Inheritance: Autosomal dominant inheritance. Observed: 1 variant allele, 1 heterozygote.
Comment: This variant causes a C to T nucleotide substitution at the +6 position of intron 13 of the CACNA1S gene. To our knowledge, functional studies have not been reported for this variant. This variant has not been reported in individuals affected with CACNA1S-related disorders in the literature. This variant has not been identified in the general population by the Genome Aggregation Database (gnomAD). The available evidence is insufficient to determine the role of this variant in disease conclusively. Therefore, this variant is classified as a Variant of Uncertain Significance.

This study involves interpretation of variants in research participants for the purpose of population health screening. Participant phenotype was not available at the time of variant classification. Additional details can be found in publication PMID: 35346344, PMCID: PMC8962531